The following is an entry in ClinVar:

NM_001267550.2(TTN):c.103919C>T (p.Pro34640Leu)

Genes: TTN-AS1 (TTN antisense RNA 1; plus strand), TTN (titin; minus strand). Cytogenetic location: 2q31.2.
Variant type: single nucleotide variant.
Coding change: c.103919C>T on transcript NM_001267550.2 (MANE Select); coding-DNA position 103919, C replaced by T.
Protein change: p.Pro34640Leu; replaces proline 34640 with leucine.
Molecular consequence: missense variant.
Genome position (GRCh38, 1-based): chr2:178,532,696, G>A on the plus strand (C>T on the coding strand, the complement: TTN is on the minus strand). VCF-style: chr2-178532696-G-A. GRCh37 (hg19) VCF-style: chr2-179397423-G-A.
Other names: c.98996C>T, p.Pro32999Leu (NM_001256850.1); c.76724C>T, p.Pro25575Leu (NM_003319.4); c.96215C>T, p.Pro32072Leu (NM_133378.4); c.77099C>T, p.Pro25700Leu (NM_133432.3); c.77300C>T, p.Pro25767Leu (NM_133437.4); short protein forms P25700L, P32999L, P25575L, P32072L, P34640L, P25767L.
Identifiers: ClinVar variation 1408908 (VCV001408908.6), dbSNP rs2154134518, ClinGen allele CA349412938.
Genomic context (GRCh38, chr2:178,532,696, plus strand): 5'-TCAGAGATGTCCCCAAGAGAACGTCTTCTAGGTCGGTAGTAAAAGTCATAATCAGGAGAA[G>A]GTGTACGCCGGCGGGCTGGTCTCACTATCTCAAGATCATCTTGGGACAGTTTAGGAATAC-3'
Protein context (NP_001254479.2, residues 34630-34650): EIVRPARRRT[Pro34640Leu]SPDYDFYYRP

ClinVar aggregate classification (germline): Uncertain significance (1 of 4 stars; one submission).

Conditions:
Autosomal recessive limb-girdle muscular dystrophy type 2J (LGMDR10). Also called: MUSCULAR DYSTROPHY, LIMB-GIRDLE, AUTOSOMAL RECESSIVE 10; Limb-girdle muscular dystrophy, type 2J. Identifiers: Orphanet 140922, MedGen C1837342, MONDO:0012127, OMIM 608807.
Dilated cardiomyopathy 1G (CMD1G). Identifiers: Orphanet 154, MedGen C1858763, MONDO:0011400, OMIM 604145.

gnomAD v4.1: 11 of 1,613,944 alleles (0.00068%); highest among the groups gnomAD compares: Non-Finnish European, 0.00093%; no homozygotes.

Submission:

Labcorp Genetics (formerly Invitae), Labcorp
Classification: Uncertain significance for Dilated cardiomyopathy 1G; Autosomal recessive limb-girdle muscular dystrophy type 2J. Last evaluated: 2024-06-06. Review status: criteria provided, single submitter. Criteria: Invitae Variant Classification Sherloc (09022015). Collection method: clinical testing. Allele origin: germline.
Comment: This sequence change replaces proline, which is neutral and non-polar, with leucine, which is neutral and non-polar, at codon 34640 of the TTN protein (p.Pro34640Leu). This variant is not present in population databases (gnomAD no frequency). This variant has not been reported in the literature in individuals affected with TTN-related conditions. ClinVar contains an entry for this variant (Variation ID: 1408908). Experimental studies and prediction algorithms are not available or were not evaluated, and the functional significance of this variant is currently unknown. This variant is located in the M band of TTN (PMID: 25589632). Non-truncating variants in this region may be relevant for neuromuscular disorders, but have not been definitively shown to cause cardiomyopathy (PMID: 23975875). In summary, the available evidence is currently insufficient to determine the role of this variant in disease. Therefore, it has been classified as a Variant of Uncertain Significance.

Literature cited by the submitters: PubMed 25589632; PubMed 23975875.